The following is an entry in ClinVar:

NM_152564.5(VPS13B):c.9331-4T>G

Gene: VPS13B (vacuolar protein sorting 13 homolog B; plus strand). Cytogenetic location: 8q22.2.
Variant type: single nucleotide variant.
Coding change: c.9331-4T>G on transcript NM_152564.5 (MANE Select); 4 bases into the intron before coding-DNA position 9331, T replaced by G.
Molecular consequence: intron variant.
Genome position (GRCh38, 1-based): chr8:99,832,365, T>G. VCF-style: chr8-99832365-T-G. GRCh37 (hg19) VCF-style: chr8-100844593-T-G.
Other names: c.9406-4T>G (NM_017890.5); c.9331-4T>G (NM_152564.4).
Identifiers: ClinVar variation 1654026 (VCV001654026.9), dbSNP rs2130857623, ClinGen allele CA2573143604.

ClinVar aggregate classification (germline): Likely benign. Review status: criteria provided, single submitter (1 of 4 stars). 2 submissions from 2 submitters: Likely benign (1). 1 of the submissions does not count toward it. Last evaluated 2025-11-18.

Conditions:
Cohen syndrome (COH1). Also called: PEPPER SYNDROME; Cutis verticis gyrata, retinitis pigmentosa, and sensorineural deafness. Identifiers: Orphanet 193, MedGen C0265223, MONDO:0008999, OMIM 216550.
VPS13B-related disorder. Also called: VPS13B-related condition.

Submissions (2):

Labcorp Genetics (formerly Invitae), Labcorp
Classification: Likely benign for Cohen syndrome. Last evaluated: 2025-11-18. Review status: criteria provided, single submitter. Criteria: Invitae Variant Classification Sherloc (09022015). Collection method: clinical testing. Allele origin: germline.

PreventionGenetics, part of Exact Sciences
Classification: Likely benign for VPS13B-related condition. Last evaluated: 2023-02-08. Review status: no assertion criteria provided. Collection method: clinical testing. Allele origin: germline. Not counted in ClinVar's aggregate classification.
Comment: This variant is classified as likely benign based on ACMG/AMP sequence variant interpretation guidelines (Richards et al. 2015 PMID: 25741868, with internal and published modifications).